The following is an entry in ClinVar:

NM_000264.5(PTCH1):c.1795G>A (p.Asp599Asn)

Genes: PTCH1 (patched 1; minus strand), LOC100507346 (uncharacterized LOC100507346; plus strand). Cytogenetic location: 9q22.32.
Variant type: single nucleotide variant.
Coding change: c.1795G>A on transcript NM_000264.5 (MANE Select); coding-DNA position 1795, G replaced by A.
Protein change: p.Asp599Asn; replaces aspartic acid 599 with asparagine.
Molecular consequence: missense variant. On other transcripts: non-coding transcript variant (2).
Genome position (GRCh38, 1-based): chr9:95,469,865, C>T on the plus strand (G>A on the coding strand, the complement: PTCH1 is on the minus strand). VCF-style: chr9-95469865-C-T. GRCh37 (hg19) VCF-style: chr9-98232147-C-T.
Other names: c.1342G>A, p.Asp448Asn (NM_001083604.3, NM_001083605.3, NM_001083606.3 and 1 more transcripts); c.1639G>A, p.Asp547Asn (NM_001354918.2); c.1597G>A, p.Asp533Asn (NM_001083602.3); c.1792G>A, p.Asp598Asn (NM_001083603.3); short protein forms D547N, D599N, D448N, D533N, D598N.
Identifiers: ClinVar variation 2100170 (VCV002100170.5), dbSNP rs2118092880, ClinGen allele CA374116332.

ClinVar aggregate classification (germline): Uncertain significance. Review status: criteria provided, multiple submitters, no conflicts (2 of 4 stars). 2 submissions from 2 submitters: Uncertain significance (2). Last evaluated 2026-07-06.

Conditions:
Gorlin syndrome. Also called: Basal cell nevus syndrome; Nevoid Basal Cell Carcinoma Syndrome. Identifiers: Orphanet 377, MedGen C0004779, MONDO:0007187.
Hereditary cancer-predisposing syndrome. Also called: Tumor predisposition; Hereditary Cancer Syndrome; Hereditary neoplastic syndrome; Neoplastic Syndromes, Hereditary. Identifiers: Orphanet 140162, MedGen C0027672, MeSH D009386, MONDO:0015356.

Submissions (2):

Ambry Genetics
Classification: Uncertain significance for Hereditary cancer-predisposing syndrome. Last evaluated: 2026-07-06. Review status: criteria provided, single submitter. Criteria: Ambry Variant Classification Scheme 2023. Collection method: clinical testing. Allele origin: germline.
Comment: The p.D533N variant (also known as c.1597G>A), located in coding exon 13 of the PTCH1 gene, results from a G to A substitution at nucleotide position 1597. The aspartic acid at codon 533 is replaced by asparagine, an amino acid with highly similar properties. This amino acid position is conserved. In addition, the in silico prediction for this alteration is inconclusive. Based on the available evidence, the clinical significance of this variant remains unclear.

Labcorp Genetics (formerly Invitae), Labcorp
Classification: Uncertain significance for Gorlin syndrome. Last evaluated: 2024-02-24. Review status: criteria provided, single submitter. Criteria: Invitae Variant Classification Sherloc (09022015). Collection method: clinical testing. Allele origin: germline.
Comment: This sequence change replaces aspartic acid, which is acidic and polar, with asparagine, which is neutral and polar, at codon 599 of the PTCH1 protein (p.Asp599Asn). This variant is not present in population databases (gnomAD no frequency). This variant has not been reported in the literature in individuals affected with PTCH1-related conditions. ClinVar contains an entry for this variant (Variation ID: 2100170). Advanced modeling of protein sequence and biophysical properties (such as structural, functional, and spatial information, amino acid conservation, physicochemical variation, residue mobility, and thermodynamic stability) performed at Invitae indicates that this missense variant is not expected to disrupt PTCH1 protein function with a negative predictive value of 95%. In summary, the available evidence is currently insufficient to determine the role of this variant in disease. Therefore, it has been classified as a Variant of Uncertain Significance.